The following is an entry in ClinVar:

ClinVar aggregate classification (germline): Likely benign. Review status: criteria provided, multiple submitters, no conflicts (2 of 4 stars). 2 submissions from 2 submitters: Likely benign (2). Last evaluated 2024-05-15.

Conditions:
Ataxia-telangiectasia syndrome (AT). Also called: LOUIS-BAR SYNDROME; Ataxia-telangiectasia, complementation group D; Ataxia telangiectasia (A-T); Cerebello-oculocutaneous telangiectasia; Immunodeficiency with ataxia telangiectasia; AT, COMPLEMENTATION GROUP C. Identifiers: Orphanet 100, MedGen C0004135, MONDO:0008840, OMIM 208900.
Familial cancer of breast. Also called: hereditary breast carcinoma; Hereditary breast cancer; BREAST CANCER, FAMILIAL. Identifiers: Orphanet 227535, MedGen C0346153, MONDO:0016419, OMIM 114480. Disease mechanism: loss of function.

Submissions (2):

Myriad Genetics, Inc.
Classification: Likely benign for Familial cancer of breast. Last evaluated: 2024-05-15. Review status: criteria provided, single submitter. Criteria: Myriad Autosomal Dominant, Autosomal Recessive and X-Linked Classification Criteria (2023). Collection method: clinical testing. Allele origin: unknown.
Comment: This variant is considered likely benign. This variant is intronic and is not expected to impact mRNA splicing.

Labcorp Genetics (formerly Invitae), Labcorp
Classification: Likely benign for Ataxia-telangiectasia syndrome. Last evaluated: 2024-01-03. Review status: criteria provided, single submitter. Criteria: Invitae Variant Classification Sherloc (09022015). Collection method: clinical testing. Allele origin: germline.

NM_000051.4(ATM):c.3747-16A>T

Gene: ATM (ATM serine/threonine kinase; plus strand). Cytogenetic location: 11q22.3.
Variant type: single nucleotide variant.
Coding change: c.3747-16A>T on transcript NM_000051.4 (MANE Select); 16 bases into the intron before coding-DNA position 3747, A replaced by T.
Molecular consequence: intron variant.
Genome position (GRCh38, 1-based): chr11:108,284,211, A>T. VCF-style: chr11-108284211-A-T. GRCh37 (hg19) VCF-style: chr11-108154938-A-T.
Other names: c.3747-16A>T (NM_001351834.2).
Identifiers: ClinVar variation 2199682 (VCV002199682.5), dbSNP rs1555093241, ClinGen allele CA2513847919.